The following is an entry in ClinVar:

ClinVar aggregate classification (germline): Uncertain significance (1 of 4 stars; one submission).

Submission:

GeneDx
Classification: Uncertain significance. Last evaluated: 2023-02-16. Review status: criteria provided, single submitter. Criteria: GeneDx Variant Classification Process June 2021. Collection method: clinical testing. Allele origin: germline. Affected: yes.
Comment: Not observed at significant frequency in large population cohorts (gnomAD); In silico analysis supports that this missense variant does not alter protein structure/function; Has not been previously published as pathogenic or benign to our knowledge

NM_006015.6(ARID1A):c.2237T>C (p.Ile746Thr)

Gene: ARID1A (AT-rich interaction domain 1A; plus strand). Cytogenetic location: 1p36.11.
Variant type: single nucleotide variant.
Coding change: c.2237T>C on transcript NM_006015.6 (MANE Select); coding-DNA position 2237, T replaced by C.
Protein change: p.Ile746Thr; replaces isoleucine 746 with threonine.
Molecular consequence: missense variant.
Genome position (GRCh38, 1-based): chr1:26,761,459, T>C. VCF-style: chr1-26761459-T-C. GRCh37 (hg19) VCF-style: chr1-27087950-T-C.
Other names: c.2237T>C, p.Ile746Thr (NM_139135.4); short protein forms I746T.
Identifiers: ClinVar variation 2576692 (VCV002576692.1), dbSNP rs776157620, ClinGen allele CA339154893.